The following is an entry in ClinVar:

NM_004415.4(DSP):c.6229C>T (p.Leu2077Phe)

Gene: DSP (desmoplakin; plus strand). Cytogenetic location: 6p24.3.
Variant type: single nucleotide variant.
Coding change: c.6229C>T on transcript NM_004415.4 (MANE Select); coding-DNA position 6229, C replaced by T.
Protein change: p.Leu2077Phe; replaces leucine 2077 with phenylalanine.
Molecular consequence: missense variant.
Genome position (GRCh38, 1-based): chr6:7,583,491, C>T. VCF-style: chr6-7583491-C-T. GRCh37 (hg19) VCF-style: chr6-7583724-C-T.
Other names: c.4432C>T, p.Leu1478Phe (NM_001008844.3); c.4900C>T, p.Leu1634Phe (NM_001319034.2); short protein forms L2077F, L1634F, L1478F.
Identifiers: ClinVar variation 3505488 (VCV003505488.1).

ClinVar aggregate classification (germline): Uncertain significance (1 of 4 stars; one submission).

Conditions:
Cardiovascular phenotype. Identifiers: MedGen CN230736.

Submission:

Ambry Genetics
Classification: Uncertain significance for Cardiovascular phenotype. Last evaluated: 2024-08-12. Review status: criteria provided, single submitter. Criteria: Ambry Variant Classification Scheme 2023. Collection method: clinical testing. Allele origin: germline.
Comment: The p.L2077F variant (also known as c.6229C>T), located in coding exon 24 of the DSP gene, results from a C to T substitution at nucleotide position 6229. The leucine at codon 2077 is replaced by phenylalanine, an amino acid with highly similar properties. This amino acid position is conserved. In addition, this alteration is predicted to be tolerated by in silico analysis. Based on the available evidence, the clinical significance of this variant remains unclear.